The following is an entry in ClinVar:

NM_001917.5(DAO):c.309G>A (p.Pro103=)

Gene: DAO (D-amino acid oxidase; plus strand). Cytogenetic location: 12q24.11.
Variant type: single nucleotide variant.
Coding change: c.309G>A on transcript NM_001917.5 (MANE Select); coding-DNA position 309, G replaced by A.
Protein change: p.Pro103=; no amino-acid change (proline 103 retained).
Molecular consequence: synonymous variant.
Genome position (GRCh38, 1-based): chr12:108,887,564, G>A. VCF-style: chr12-108887564-G-A. GRCh37 (hg19) VCF-style: chr12-109281340-G-A.
Other names: c.309G>A, p.Pro103= (NM_001413634.1, NM_001413635.1).
Identifiers: ClinVar variation 2634811 (VCV002634811.1), dbSNP rs147144733, ClinGen allele CA6771029.

ClinVar aggregate classification (germline): Uncertain significance (1 of 4 stars; one submission).

Conditions:
DAO-related disorder. Also called: DAO-related condition.

Allele frequency attached by ClinVar (database versions not stated): gnomAD 0.00004; ExAC 0.00007; TOPMed 0.00007; ESP Exome Variant Server 0.00015.
gnomAD v4.1: 141 of 1,608,404 alleles (0.0088%); highest among the groups gnomAD compares: Non-Finnish European, 0.011%; no homozygotes.

Submission:

PreventionGenetics, part of Exact Sciences
Classification: Uncertain significance for DAO-related condition. Last evaluated: 2023-03-22. Review status: criteria provided, single submitter. Criteria: ACMG Guidelines, 2015. Collection method: clinical testing. Allele origin: germline.
Comment: The DAO c.309G>A variant is not predicted to result in an amino acid change (p.=). To our knowledge, this variant has not been reported in the literature. This variant is reported in 0.012% of alleles in individuals of European (Non-Finnish) descent in gnomAD. Although we suspect that this variant may be benign, at this time, the clinical significance of this variant is uncertain due to the absence of conclusive functional and genetic evidence.